The following is an entry in ClinVar:

NM_004380.3(CREBBP):c.3610-1G>A

Gene: CREBBP (CREB binding lysine acetyltransferase; minus strand). Cytogenetic location: 16p13.3.
Variant type: single nucleotide variant.
Coding change: c.3610-1G>A on transcript NM_004380.3 (MANE Select); the canonical splice acceptor site of the intron before coding-DNA position 3610, G replaced by A.
Molecular consequence: splice acceptor variant.
Genome position (GRCh38, 1-based): chr16:3,757,377, C>T on the plus strand (G>A on the coding strand, the complement: CREBBP is on the minus strand). VCF-style: chr16-3757377-C-T. GRCh37 (hg19) VCF-style: chr16-3807378-C-T.
Other names: c.3496-1G>A (NM_001079846.1).
Identifiers: ClinVar variation 1510381 (VCV001510381.8), dbSNP rs1596852670, ClinGen allele CA394568524.

ClinVar aggregate classification (germline): Pathogenic (1 of 4 stars; one submission).

Conditions:
Rubinstein-Taybi syndrome (RSTS). Identifiers: Orphanet 783, MedGen C0035934, MONDO:0019188.

Submission:

Labcorp Genetics (formerly Invitae), Labcorp
Classification: Pathogenic for Rubinstein-Taybi syndrome. Last evaluated: 2025-10-21. Review status: criteria provided, single submitter. Criteria: Invitae Variant Classification Sherloc (09022015). Collection method: clinical testing. Allele origin: germline.
Comment: This sequence change affects an acceptor splice site in intron 18 of the CREBBP gene. It is expected to disrupt RNA splicing. Variants that disrupt the donor or acceptor splice site typically lead to a loss of protein function (PMID: 16199547), and loss-of-function variants in CREBBP are known to be pathogenic (PMID: 17052327, 18792986). This variant is not present in population databases (gnomAD no frequency). Disruption of this splice site has been observed in individual(s) with clinical features of Rubinstein-Taybi syndrome (internal data). In at least one individual the variant was observed to be de novo. ClinVar contains an entry for this variant (Variation ID: 1510381). Algorithms developed to predict the effect of sequence changes on RNA splicing suggest that this variant may disrupt the consensus splice site. For these reasons, this variant has been classified as Pathogenic.

Literature cited by the submitters: PubMed 16199547; PubMed 17052327; PubMed 18792986.